The following is an entry in ClinVar:

NM_006080.3(SEMA3A):c.57A>C (p.Arg19Ser)

Gene: SEMA3A (semaphorin 3A; minus strand). Cytogenetic location: 7q21.11.
Variant type: single nucleotide variant.
Coding change: c.57A>C on transcript NM_006080.3 (MANE Select); coding-DNA position 57, A replaced by C.
Protein change: p.Arg19Ser; replaces arginine 19 with serine.
Molecular consequence: missense variant.
Genome position (GRCh38, 1-based): chr7:84,194,530, T>G on the plus strand (A>C on the coding strand, the complement: SEMA3A is on the minus strand). VCF-style: chr7-84194530-T-G. GRCh37 (hg19) VCF-style: chr7-83823846-T-G.
Other names: short protein forms R19S.
Identifiers: ClinVar variation 727583 (VCV000727583.5), dbSNP rs139951141, ClinGen allele CA4323130.
Genomic context (GRCh38, chr7:84,194,530, plus strand): 5'-TTTACCTTTGTAGGATAATTTCAGCCTTGGCACATTGTTCTTCCCATTCTGATAGTTTGC[T>G]CTTGCTGTAAGTAATACTCCCCAGAAAAGACAGACAATCCTAGTTAACCAGCCCATGCTG-3'
Protein context (NP_006071.1, residues 9-29): CLFWGVLLTA[Arg19Ser]ANYQNGKNNV

ClinVar aggregate classification (germline): Likely benign. Review status: criteria provided, single submitter (1 of 4 stars). 2 submissions from 2 submitters: Likely benign (1). 1 of the submissions does not count toward it. Last evaluated 2018-06-21.

Conditions:
SEMA3A-related disorder. Also called: SEMA3A-related condition.

Allele frequency attached by ClinVar (database versions not stated): gnomAD exomes 0.00007 and 0.00013; ExAC 0.00016; TOPMed 0.00055; gnomAD 0.00056 and 0.00060; 1000 Genomes Project 30x 0.00094; ESP Exome Variant Server 0.00115; 1000 Genomes Project 0.00120.
gnomAD v4.1: 191 of 1,613,622 alleles (0.012%); highest among the groups gnomAD compares: African/African-American, 0.22%; no homozygotes.

Submissions (2):

Labcorp Genetics (formerly Invitae), Labcorp
Classification: Likely benign. Last evaluated: 2018-06-21. Review status: criteria provided, single submitter. Criteria: Invitae Variant Classification Sherloc (09022015). Collection method: clinical testing. Allele origin: germline.

PreventionGenetics, part of Exact Sciences
Classification: Likely benign for SEMA3A-related condition. Last evaluated: 2021-07-15. Review status: no assertion criteria provided. Collection method: clinical testing. Allele origin: germline. Not counted in ClinVar's aggregate classification.
Comment: This variant is classified as likely benign based on ACMG/AMP sequence variant interpretation guidelines (Richards et al. 2015 PMID: 25741868, with internal and published modifications).